The following is an entry in ClinVar:

NM_144687.4(NLRP12):c.2828_2829dup (p.Arg944fs)

Gene: NLRP12 (NLR family pyrin domain containing 12; minus strand). Cytogenetic location: 19q13.42.
Variant type: Duplication.
Coding change: c.2828_2829dup on transcript NM_144687.4 (MANE Select); coding-DNA positions 2828 to 2829, 2 bases duplicated (TC; older notation c.2828_2829dupTC).
Protein change: p.Arg944fs; shifts the reading frame from arginine 944.
Molecular consequence: frameshift variant. On other transcripts: intron variant (1).
Genome position (GRCh38, 1-based): chr19:53,798,341-53,798,342, GA duplicated on the plus strand (TC on the coding strand, the reverse complement: NLRP12 is on the minus strand); duplicating any 2 consecutive bases within chr19:53,798,341-53,798,343 gives the same sequence; the c. name uses the placement nearest the transcript's 3' end. VCF-style (leftmost placement, unchanged base first): chr19-53798340-G-GGA. GRCh37 (hg19) VCF-style: chr19-54301594-G-GGA.
Other names: c.2828_2829dupTC (NM_144687.4); c.2831_2832dup, p.Arg945fs (NM_001277126.2); c.2757-2313_2757-2312dup (NM_001277129.1); short protein forms R944fs, R945fs.
Identifiers: ClinVar variation 330007 (VCV000330007.37), dbSNP rs533054990, ClinGen allele CA9638890.

ClinVar aggregate classification (germline): Benign/Likely benign. Review status: criteria provided, multiple submitters, no conflicts (2 of 4 stars). 5 submissions from 5 submitters: Benign (1); Likely benign (2). 2 of the submissions do not count toward it. Last evaluated 2025-05-08.

Conditions:
Multisystem inflammatory syndrome in children. Identifiers: MedGen C5391534.
NLRP12-related disorder. Also called: NLRP12-related condition; NLRP12-related conditions.
Familial cold autoinflammatory syndrome 2 (FCAS2). Identifiers: Orphanet 247868, MedGen C2673198, MONDO:0012724, OMIM 611762.

Submissions (5):

Women's Health and Genetics/Laboratory Corporation of America, LabCorp
Classification: Benign. Last evaluated: 2025-05-08. Review status: criteria provided, single submitter. Criteria: LabCorp Variant Classification Summary - May 2015. Collection method: clinical testing. Allele origin: germline.
Comment: Variant summary: NLRP12 c.2828_2829dupTC (p.Arg944SerfsX6) results in a premature termination codon, predicted to cause a truncation of the encoded protein or absence of the protein due to nonsense mediated decay, however current evidence is not sufficient to establish loss of function as a mechanism for disease. The variant allele was found at a frequency of 0.0002 in 251242 control chromosomes. The observed variant frequency is approximately 200 fold of the estimated maximal expected allele frequency for a pathogenic variant in NLRP12 causing Familial cold autoinflammatory syndrome 2 phenotype (1e-06). c.2828_2829dupTC has been observed in individuals affected with macrophage activation syndrome and multisystem inflammatory syndrome (e.g., Molina-Ramrez_2022, Abuhammour_2022). These reports do not provide unequivocal conclusions about association of the variant with Familial cold autoinflammatory syndrome 2. To our knowledge, no experimental evidence demonstrating an impact on protein function has been reported. The following publications have been ascertained in the context of this evaluation (PMID: 33879512, 35639375). ClinVar contains an entry for this variant (Variation ID: 330007). Based on the evidence outlined above, the variant was classified as benign.

Labcorp Genetics (formerly Invitae), Labcorp
Classification: Likely benign for Familial cold autoinflammatory syndrome 2. Last evaluated: 2024-09-12. Review status: criteria provided, single submitter. Criteria: Invitae Variant Classification Sherloc (09022015). Collection method: clinical testing. Allele origin: germline.

CeGaT Center for Human Genetics Tuebingen
Classification: Likely benign. Last evaluated: 2024-01-01. Review status: criteria provided, single submitter. Criteria: CeGaT Center For Human Genetics Tuebingen Variant Classification Criteria Version 2. Collection method: clinical testing. Allele origin: germline. Affected: yes. Observed: 1 variant allele.
Comment: NLRP12: BS1

Dubai Health Genomic Medicine Center, Dubai Health
Classification: risk factor for Multisystem inflammatory syndrome in children. Last evaluated: 2021-11-14. Review status: no assertion criteria provided. Collection method: research. Allele origin: germline. Affected: yes. Not counted in ClinVar's aggregate classification.

PreventionGenetics, part of Exact Sciences
Classification: Likely benign for NLRP12-related condition. Last evaluated: 2021-05-20. Review status: no assertion criteria provided. Collection method: clinical testing. Allele origin: germline. Not counted in ClinVar's aggregate classification.
Comment: This variant is classified as likely benign based on ACMG/AMP sequence variant interpretation guidelines (Richards et al. 2015 PMID: 25741868, with internal and published modifications).

Literature cited by the submitters: PubMed 33879512 (cited by Women's Health and Genetics/Laboratory Corporation of America, LabCorp); PubMed 35639375 (cited by Women's Health and Genetics/Laboratory Corporation of America, LabCorp).